The following is an entry in ClinVar:

ClinVar aggregate classification (germline): Uncertain significance. Review status: criteria provided, multiple submitters, no conflicts (2 of 4 stars). 2 submissions from 2 submitters: Uncertain significance (2). Last evaluated 2020-08-25.

Conditions:
Febrile seizures, familial, 11 (FEB11). Also called: CONVULSIONS, FAMILIAL FEBRILE, 11. Identifiers: MedGen C3280734, MONDO:0024566, OMIM 614418.

Allele frequency attached by ClinVar (database versions not stated): TOPMed below 0.00001; gnomAD exomes 0.00001.
gnomAD v4.1: 4 of 1,605,546 alleles (0.00025%); highest among the groups gnomAD compares: Admixed American, 0.0069%; no homozygotes.

Submissions (2):

Labcorp Genetics (formerly Invitae), Labcorp
Classification: Uncertain significance for Febrile seizures, familial, 11. Last evaluated: 2020-08-25. Review status: criteria provided, single submitter. Criteria: Invitae Variant Classification Sherloc (09022015). Collection method: clinical testing. Allele origin: germline.
Comment: In summary, the available evidence is currently insufficient to determine the role of this variant in disease. Therefore, it has been classified as a Variant of Uncertain Significance. This sequence change replaces lysine with methionine at codon 106 of the CPA6 protein (p.Lys106Met). The lysine residue is weakly conserved and there is a moderate physicochemical difference between lysine and methionine. This variant is not present in population databases (ExAC no frequency). This variant has not been reported in the literature in individuals with CPA6-related conditions. ClinVar contains an entry for this variant (Variation ID: 584143). Algorithms developed to predict the effect of missense changes on protein structure and function are either unavailable or do not agree on the potential impact of this missense change (SIFT: "Tolerated"; PolyPhen-2: "Possibly Damaging"; Align-GVGD: "Class C0"). Algorithms developed to predict the effect of sequence changes on RNA splicing suggest that this variant may disrupt the consensus splice site, but this prediction has not been confirmed by published transcriptional studies.

Eurofins Ntd Llc (ga)
Classification: Uncertain significance. Last evaluated: 2017-07-11. Review status: criteria provided, single submitter. Criteria: EGL Classification Definitions 2015. Collection method: clinical testing. Allele origin: germline. Observed: 1 variant allele, 1 heterozygote.

NM_020361.5(CPA6):c.317A>T (p.Lys106Met)

Gene: CPA6 (carboxypeptidase A6; minus strand). Cytogenetic location: 8q13.2.
Variant type: single nucleotide variant.
Coding change: c.317A>T on transcript NM_020361.5 (MANE Select); coding-DNA position 317, A replaced by T.
Protein change: p.Lys106Met; replaces lysine 106 with methionine.
Molecular consequence: missense variant.
Genome position (GRCh38, 1-based): chr8:67,517,923, T>A on the plus strand (A>T on the coding strand, the complement: CPA6 is on the minus strand). VCF-style: chr8-67517923-T-A. GRCh37 (hg19) VCF-style: chr8-68430158-T-A.
Other names: short protein forms K106M.
Identifiers: ClinVar variation 593079 (VCV000593079.13), dbSNP rs1044751209, ClinGen allele CA178471764.